The following is an entry in ClinVar:

NM_000238.4(KCNH2):c.601A>C (p.Thr201Pro)

Gene: KCNH2 (potassium voltage-gated channel subfamily H member 2; minus strand). Cytogenetic location: 7q36.1.
Variant type: single nucleotide variant.
Coding change: c.601A>C on transcript NM_000238.4 (MANE Select); coding-DNA position 601, A replaced by C.
Protein change: p.Thr201Pro; replaces threonine 201 with proline.
Molecular consequence: missense variant. On other transcripts: non-coding transcript variant (1).
Genome position (GRCh38, 1-based): chr7:150,958,374, T>G on the plus strand (A>C on the coding strand, the complement: KCNH2 is on the minus strand). VCF-style: chr7-150958374-T-G. GRCh37 (hg19) VCF-style: chr7-150655462-T-G.
Other names: c.313A>C, p.Thr105Pro (NM_001406753.1, NM_001406756.1); c.424A>C, p.Thr142Pro (NM_001406755.1); c.301A>C, p.Thr101Pro (NM_001406757.1); c.601A>C, p.Thr201Pro (NM_172056.3); short protein forms T101P, T105P, T142P, T201P.
Identifiers: ClinVar variation 4804763 (VCV004804763.1).

ClinVar aggregate classification (germline): Uncertain significance (1 of 4 stars; one submission).

Conditions:
Long QT syndrome (LQTS). Identifiers: MedGen C0023976, MeSH D008133, MONDO:0002442. Disease mechanism: loss of function. Inheritance: Various modes of inheritance.

Submission:

Labcorp Genetics (formerly Invitae), Labcorp
Classification: Uncertain significance for Long QT syndrome. Last evaluated: 2025-06-29. Review status: criteria provided, single submitter. Criteria: Invitae Variant Classification Sherloc (09022015). Collection method: clinical testing. Allele origin: germline.
Comment: This sequence change replaces threonine, which is neutral and polar, with proline, which is neutral and non-polar, at codon 201 of the KCNH2 protein (p.Thr201Pro). This variant is not present in population databases (gnomAD no frequency). This variant has not been reported in the literature in individuals affected with KCNH2-related conditions. An algorithm developed to predict the effect of missense changes on protein structure and function (PolyPhen-2) suggests that this variant is likely to be tolerated. In summary, the available evidence is currently insufficient to determine the role of this variant in disease. Therefore, it has been classified as a Variant of Uncertain Significance.